The following is an entry in ClinVar:

ClinVar aggregate classification (germline): Uncertain significance. Review status: criteria provided, multiple submitters, no conflicts (2 of 4 stars). 2 submissions from 2 submitters: Uncertain significance (2). Last evaluated 2025-11-19.

Conditions:
Inborn genetic diseases. Identifiers: MedGen C0950123, MeSH D030342.
MEGF8-related Carpenter syndrome. Also called: Carpenter syndrome 2. Identifiers: Orphanet 65759, MedGen C3554247, MONDO:0013998, OMIM 614976.

Allele frequency attached by ClinVar (database versions not stated): ExAC 0.00001; gnomAD exomes 0.00001.
gnomAD v4.1: 20 of 1,609,556 alleles (0.0012%); highest among the groups gnomAD compares: Non-Finnish European, 0.0017%; no homozygotes.

Submissions (2):

Ambry Genetics
Classification: Uncertain significance for Inborn genetic diseases. Last evaluated: 2025-11-19. Review status: criteria provided, single submitter. Criteria: Ambry Variant Classification Scheme 2023. Collection method: clinical testing. Allele origin: germline.

Labcorp Genetics (formerly Invitae), Labcorp
Classification: Uncertain significance for MEGF8-related Carpenter syndrome. Last evaluated: 2025-10-04. Review status: criteria provided, single submitter. Criteria: Invitae Variant Classification Sherloc (09022015). Collection method: clinical testing. Allele origin: germline.
Comment: This sequence change replaces histidine, which is basic and polar, with aspartic acid, which is acidic and polar, at codon 920 of the MEGF8 protein (p.His920Asp). This variant is present in population databases (rs752775785, gnomAD 0.0009%). This variant has not been reported in the literature in individuals affected with MEGF8-related conditions. ClinVar contains an entry for this variant (Variation ID: 1907400). An algorithm developed to predict the effect of missense changes on protein structure and function (PolyPhen-2) suggests that this variant is likely to be tolerated. In summary, the available evidence is currently insufficient to determine the role of this variant in disease. Therefore, it has been classified as a Variant of Uncertain Significance.

NM_001271938.2(MEGF8):c.2959C>G (p.His987Asp)

Gene: MEGF8 (multiple EGF like domains 8; plus strand). Cytogenetic location: 19q13.2.
Variant type: single nucleotide variant.
Coding change: c.2959C>G on transcript NM_001271938.2 (MANE Select); coding-DNA position 2959, C replaced by G.
Protein change: p.His987Asp; replaces histidine 987 with aspartic acid.
Molecular consequence: missense variant.
Genome position (GRCh38, 1-based): chr19:42,351,532, C>G. VCF-style: chr19-42351532-C-G. GRCh37 (hg19) VCF-style: chr19-42855684-C-G.
Other names: c.2758C>G, p.His920Asp (NM_001410.3); c.2758C>G (NM_001410.2); short protein forms H987D, H920D.
Identifiers: ClinVar variation 1907400 (VCV001907400.6), dbSNP rs752775785, ClinGen allele CA9474847.